The following is an entry in ClinVar:

NM_145167.3(PIGM):c.160G>C (p.Val54Leu)

Gene: PIGM (phosphatidylinositol glycan anchor biosynthesis class M; minus strand). Cytogenetic location: 1q23.2.
Variant type: single nucleotide variant.
Coding change: c.160G>C on transcript NM_145167.3 (MANE Select); coding-DNA position 160, G replaced by C.
Protein change: p.Val54Leu; replaces valine 54 with leucine.
Molecular consequence: missense variant.
Genome position (GRCh38, 1-based): chr1:160,031,580, C>G on the plus strand (G>C on the coding strand, the complement: PIGM is on the minus strand). VCF-style: chr1-160031580-C-G. GRCh37 (hg19) VCF-style: chr1-160001370-C-G.
Other names: short protein forms V54L.
Identifiers: ClinVar variation 2199992 (VCV002199992.4), dbSNP rs200507662, ClinGen allele CA1193106.
Genomic context (GRCh38, chr1:160,031,580, plus strand): 5'-ACGTGGCTCTCAGGTAAGGCGAGCGCCCCTCCGTGACGAAGCGCGCGGCGTCGGTGAAGA[C>G]CTGGTAGTCGATGTCCGTATACCTCACGTGCAGGGTCCGGTCCTGGAAGACGCCATAGAA-3'
Protein context (NP_660150.1, residues 44-64): HVRYTDIDYQ[Val54Leu]FTDAARFVTE

ClinVar aggregate classification (germline): Uncertain significance (1 of 4 stars; one submission).

Conditions:
Hypercoagulability syndrome due to glycosylphosphatidylinositol deficiency (GPIBD1). Also called: GLYCOSYLPHOSPHATIDYLINOSITOL BIOSYNTHESIS DEFECT 1. Identifiers: Orphanet 83639, MedGen C5201145, MONDO:0012465, OMIM 610293.

Allele frequency attached by ClinVar (database versions not stated): TOPMed 0.00003; ESP Exome Variant Server 0.00008; 1000 Genomes Project 0.00020; 1000 Genomes Project 30x 0.00031; ExAC 0.00002; gnomAD exomes 0.00002; gnomAD 0.00003.

Submission:

Labcorp Genetics (formerly Invitae), Labcorp
Classification: Uncertain significance for Hypercoagulability syndrome due to glycosylphosphatidylinositol deficiency. Last evaluated: 2025-03-31. Review status: criteria provided, single submitter. Criteria: Invitae Variant Classification Sherloc (09022015). Collection method: clinical testing. Allele origin: germline.
Comment: This sequence change replaces valine, which is neutral and non-polar, with leucine, which is neutral and non-polar, at codon 54 of the PIGM protein (p.Val54Leu). This variant is present in population databases (rs200507662, gnomAD 0.004%). This variant has not been reported in the literature in individuals affected with PIGM-related conditions. ClinVar contains an entry for this variant (Variation ID: 2199992). Invitae Evidence Modeling of protein sequence and biophysical properties (such as structural, functional, and spatial information, amino acid conservation, physicochemical variation, residue mobility, and thermodynamic stability) indicates that this missense variant is expected to disrupt PIGM protein function with a positive predictive value of 80%. In summary, the available evidence is currently insufficient to determine the role of this variant in disease. Therefore, it has been classified as a Variant of Uncertain Significance.